The following is an entry in ClinVar:

ClinVar aggregate classification (germline): Pathogenic (1 of 4 stars; one submission).

Conditions:
Dilated cardiomyopathy 1KK (CMD1KK). Identifiers: Orphanet 154, Orphanet 75249, MedGen C3714995, MONDO:0014100, OMIM 615248.

Submission:

Labcorp Genetics (formerly Invitae), Labcorp
Classification: Pathogenic for Dilated cardiomyopathy 1KK. Last evaluated: 2025-02-17. Review status: criteria provided, single submitter. Criteria: Invitae Variant Classification Sherloc (09022015). Collection method: clinical testing. Allele origin: germline.
Comment: This sequence change creates a premature translational stop signal (p.Arg897*) in the MYPN gene. It is expected to result in an absent or disrupted protein product. Loss-of-function variants in MYPN are known to be pathogenic (PMID: 28017374). This variant is not present in population databases (gnomAD no frequency). This variant has not been reported in the literature in individuals affected with MYPN-related conditions. ClinVar contains an entry for this variant (Variation ID: 1455552). For these reasons, this variant has been classified as Pathogenic.

Literature cited by the submitters: PubMed 28017374.

NM_032578.4(MYPN):c.2689A>T (p.Arg897Ter)

Gene: MYPN (myopalladin; plus strand). Cytogenetic location: 10q21.3.
Variant type: single nucleotide variant.
Coding change: c.2689A>T on transcript NM_032578.4 (MANE Select); coding-DNA position 2689, A replaced by T.
Protein change: p.Arg897Ter; replaces arginine 897 with a stop codon.
Molecular consequence: nonsense. On other transcripts: non-coding transcript variant (1).
Genome position (GRCh38, 1-based): chr10:68,175,447, A>T. VCF-style: chr10-68175447-A-T. GRCh37 (hg19) VCF-style: chr10-69935204-A-T.
Other names: c.2689A>T, p.Arg897Ter (NM_001256267.2); c.1807A>T, p.Arg603Ter (NM_001256268.2); short protein forms R897*, R603*.
Identifiers: ClinVar variation 1455552 (VCV001455552.6), dbSNP rs2134204980, ClinGen allele CA376849499.